The following is an entry in ClinVar:

NM_001164508.2(NEB):c.17012A>G (p.Asn5671Ser)

Gene: NEB (nebulin; minus strand). Cytogenetic location: 2q23.3.
Variant type: single nucleotide variant.
Coding change: c.17012A>G on transcript NM_001164508.2 (MANE Select); coding-DNA position 17012, A replaced by G.
Protein change: p.Asn5671Ser; replaces asparagine 5671 with serine.
Molecular consequence: missense variant.
Genome position (GRCh38, 1-based): chr2:151,575,696, T>C on the plus strand (A>G on the coding strand, the complement: NEB is on the minus strand). VCF-style: chr2-151575696-T-C. GRCh37 (hg19) VCF-style: chr2-152432210-T-C.
Other names: c.17012A>G, p.Asn5671Ser (NM_001164507.2, NM_001271208.2); c.11909A>G, p.Asn3970Ser (NM_004543.5); short protein forms N3970S, N5671S.
Identifiers: ClinVar variation 1021044 (VCV001021044.6), dbSNP rs1390168520, ClinGen allele CA348809305.

ClinVar aggregate classification (germline): Uncertain significance. Review status: criteria provided, single submitter (1 of 4 stars). 2 submissions from 2 submitters: Uncertain significance (1). 1 of the submissions does not count toward it. Last evaluated 2022-01-12.

Conditions:
Nemaline myopathy 2 (NEM2). Also called: Nemaline myopathy 2, autosomal recessive. Identifiers: MedGen C1850569, MONDO:0009725, OMIM 256030.

gnomAD v4.1: 1 of 1,572,214 alleles (0.000064%); highest among the groups gnomAD compares: African/African-American, 0.0013%; no homozygotes.

Submissions (2):

Labcorp Genetics (formerly Invitae), Labcorp
Classification: Uncertain significance for Nemaline myopathy 2. Last evaluated: 2022-01-12. Review status: criteria provided, single submitter. Criteria: Invitae Variant Classification Sherloc (09022015). Collection method: clinical testing. Allele origin: germline.
Comment: This sequence change replaces asparagine, which is neutral and polar, with serine, which is neutral and polar, at codon 5671 of the NEB protein (p.Asn5671Ser). This variant is present in population databases (no rsID available, gnomAD 0.006%). This variant has not been reported in the literature in individuals affected with NEB-related conditions. ClinVar contains an entry for this variant (Variation ID: 1021044). Algorithms developed to predict the effect of missense changes on protein structure and function output the following: SIFT: "Deleterious"; PolyPhen-2: "Not Available"; Align-GVGD: "Class C0". The serine amino acid residue is found in multiple mammalian species, which suggests that this missense change does not adversely affect protein function. Algorithms developed to predict the effect of sequence changes on RNA splicing suggest that this variant may create or strengthen a splice site. In summary, the available evidence is currently insufficient to determine the role of this variant in disease. Therefore, it has been classified as a Variant of Uncertain Significance.

Natera, Inc.
Classification: Uncertain significance for Nemaline myopathy type 2. Last evaluated: 2021-03-11. Review status: no assertion criteria provided. Collection method: clinical testing. Allele origin: germline. Not counted in ClinVar's aggregate classification.